The following is an entry in ClinVar:

NM_000673.7(ADH7):c.-35T>C

Genes: ADH7 (alcohol dehydrogenase 7 (class IV), mu or sigma polypeptide; minus strand), LOC111216292 (ADH7 promoter; plus strand). Cytogenetic location: 4q23.
Variant type: single nucleotide variant.
Coding change: c.-35T>C on transcript NM_000673.7 (MANE Select); 35 bases upstream of the start codon, T replaced by C.
Molecular consequence: 5 prime UTR variant.
Genome position (GRCh38, 1-based): chr4:99,435,268, A>G on the plus strand (T>C on the coding strand, the complement: ADH7 is on the minus strand). VCF-style: chr4-99435268-A-G. GRCh37 (hg19) VCF-style: chr4-100356425-A-G.
Identifiers: ClinVar variation 3059520 (VCV003059520.2), dbSNP rs150497747, ClinGen allele CA3021014.

ClinVar aggregate classification (germline): Likely benign (0 of 4 stars; one submission).

Conditions:
ADH7-related disorder. Also called: ADH7-related condition.

Allele frequency attached by ClinVar (database versions not stated): ESP Exome Variant Server 0.00008; gnomAD exomes 0.00028; TOPMed 0.00065; gnomAD 0.00070; ExAC 0.00087; 1000 Genomes Project 30x 0.00250; 1000 Genomes Project 0.00280.
gnomAD v4.1: 654 of 1,613,212 alleles (0.041%); highest among the groups gnomAD compares: East Asian, 0.85%; 7 homozygotes.

Submission:

PreventionGenetics, part of Exact Sciences
Classification: Likely benign for ADH7-related condition. Last evaluated: 2019-12-06. Review status: no assertion criteria provided. Collection method: clinical testing. Allele origin: germline.
Comment: This variant is classified as likely benign based on ACMG/AMP sequence variant interpretation guidelines (Richards et al. 2015 PMID: 25741868, with internal and published modifications).